The following is an entry in ClinVar:

NM_001903.5(CTNNA1):c.2337C>G (p.Tyr779Ter)

Gene: CTNNA1 (catenin alpha 1; plus strand). Cytogenetic location: 5q31.2.
Variant type: single nucleotide variant.
Coding change: c.2337C>G on transcript NM_001903.5 (MANE Select); coding-DNA position 2337, C replaced by G.
Protein change: p.Tyr779Ter; replaces tyrosine 779 with a stop codon.
Molecular consequence: nonsense. On other transcripts: intron variant (1).
Genome position (GRCh38, 1-based): chr5:138,932,616, C>G. VCF-style: chr5-138932616-C-G. GRCh37 (hg19) VCF-style: chr5-138268305-C-G.
Other names: c.2337C>G, p.Tyr779Ter (NM_001290307.3, NM_001323982.2, NM_001323983.1 and 2 more transcripts); c.2028C>G, p.Tyr676Ter (NM_001290309.3); c.1968C>G, p.Tyr656Ter (NM_001290310.3); c.1227C>G, p.Tyr409Ter (NM_001290312.1, NM_001323987.1, NM_001323988.1 and 16 more transcripts); c.2244C>G, p.Tyr748Ter (NM_001323986.2); c.888C>G, p.Tyr296Ter (NM_001324006.1, NM_001324007.1, NM_001324008.1 and 2 more transcripts); c.1134C>G, p.Tyr378Ter (NM_001324011.1); c.984C>G, p.Tyr328Ter (NM_001324012.1, NM_001324013.1); and 1 more; short protein forms Y328*, Y378*, Y748*, Y296*, Y409*, Y656*, Y676*, Y779*.
Identifiers: ClinVar variation 639556 (VCV000639556.6), dbSNP rs767711515, ClinGen allele CA361134355.

ClinVar aggregate classification (germline): Pathogenic (1 of 4 stars; one submission).

Submission:

Labcorp Genetics (formerly Invitae), Labcorp
Classification: Pathogenic. Last evaluated: 2023-07-08. Review status: criteria provided, single submitter. Criteria: Invitae Variant Classification Sherloc (09022015). Collection method: clinical testing. Allele origin: germline.
Comment: This variant has not been reported in the literature in individuals affected with CTNNA1-related conditions. For these reasons, this variant has been classified as Pathogenic. ClinVar contains an entry for this variant (Variation ID: 639556). This variant is not present in population databases (gnomAD no frequency). This sequence change creates a premature translational stop signal (p.Tyr779*) in the CTNNA1 gene. It is expected to result in an absent or disrupted protein product. Loss-of-function variants in CTNNA1 are known to be pathogenic (PMID: 32051609, 34425242).

Literature cited by the submitters: PubMed 32051609; PubMed 34425242.